The following is an entry in ClinVar:

ClinVar aggregate classification (germline): Benign. Review status: criteria provided, multiple submitters, no conflicts (2 of 4 stars). 6 submissions from 6 submitters: Benign (5). 1 of the submissions does not count toward it. Last evaluated 2024-11-26.

Conditions:
SLC25A26-related disorder. Also called: SLC25A26-related condition.
Combined oxidative phosphorylation deficiency 28 (COXPD28). Identifiers: Orphanet 466784, MedGen C5569081, MONDO:0014775, OMIM 616794.

Allele frequency attached by ClinVar (database versions not stated): ExAC 0.28625; gnomAD exomes 0.30272 and 0.35035; ESP Exome Variant Server 0.40364; gnomAD 0.42641 and 0.43643; TOPMed 0.43870; 1000 Genomes Project 0.44848; 1000 Genomes Project 30x 0.45503.
gnomAD v4.1: 481,059 of 1,526,268 alleles (32%); highest among the groups gnomAD compares: African/African-American, 67%; 84,244 homozygotes.

Submissions (6):

Blueprint Genetics
Classification: Benign. Last evaluated: 2024-11-26. Review status: criteria provided, single submitter. Criteria: ACMG Guidelines, 2015. Collection method: clinical testing. Allele origin: germline.

Mayo Clinic Laboratories, Mayo Clinic
Classification: Benign. Last evaluated: 2022-10-27. Review status: criteria provided, single submitter. Criteria: ACMG Guidelines, 2015. Collection method: clinical testing. Allele origin: germline. Observed: 158 variant alleles.

Genome-Nilou Lab
Classification: Benign for Combined oxidative phosphorylation deficiency 28. Last evaluated: 2021-07-15. Review status: criteria provided, single submitter. Criteria: ACMG Guidelines, 2015. Collection method: clinical testing. Allele origin: germline. Affected: no.

GeneDx
Classification: Benign. Last evaluated: 2018-06-14. Review status: criteria provided, single submitter. Criteria: GeneDx Variant Classification (06012015). Collection method: clinical testing. Allele origin: germline. Affected: yes.
Comment: This variant is considered likely benign or benign based on one or more of the following criteria: it is a conservative change, it occurs at a poorly conserved position in the protein, it is predicted to be benign by multiple in silico algorithms, and/or has population frequency not consistent with disease.

Breakthrough Genomics
Classification: Benign. Review status: criteria provided, single submitter. Criteria: ACMG Guidelines, 2015. Collection method: not provided. Allele origin: germline. Inheritance: Autosomal recessive inheritance. Affected: yes.

PreventionGenetics, part of Exact Sciences
Classification: Benign for SLC25A26-related condition. Last evaluated: 2020-01-22. Review status: no assertion criteria provided. Collection method: clinical testing. Allele origin: germline. Not counted in ClinVar's aggregate classification.
Comment: This variant is classified as benign based on ACMG/AMP sequence variant interpretation guidelines (Richards et al. 2015 PMID: 25741868, with internal and published modifications).

NM_001379210.1(SLC25A26):c.122G>A (p.Ser41Asn)

Gene: SLC25A26 (solute carrier family 25 member 26; plus strand). Cytogenetic location: 3p14.1.
Variant type: single nucleotide variant.
Coding change: c.122G>A on transcript NM_001379210.1 (MANE Select); coding-DNA position 122, G replaced by A.
Protein change: p.Ser41Asn; replaces serine 41 with asparagine.
Molecular consequence: missense variant. On other transcripts: 5 prime UTR variant (1), intron variant (1).
Genome position (GRCh38, 1-based): chr3:66,236,632, G>A. VCF-style: chr3-66236632-G-A. GRCh37 (hg19) VCF-style: chr3-66287056-G-A.
Other names: p.Ser41Asn; c.-143G>A (NM_001350993.1); c.122G>A, p.Ser41Asn (NM_173471.4); c.-74-6571G>A (NM_001164796.1); short protein forms S41N.
Identifiers: ClinVar variation 683883 (VCV000683883.8), dbSNP rs146159281, ClinGen allele CA2483604.